The following is an entry in ClinVar:

ClinVar aggregate classification (germline): Conflicting classifications of pathogenicity. Review status: criteria provided, conflicting classifications (1 of 4 stars). 3 submissions from 2 submitters: Uncertain significance (2); Benign (1). Last evaluated 2025-10-20.

Conditions:
Tangier disease (TGD). Also called: HIGH DENSITY LIPOPROTEIN DEFICIENCY, TANGIER TYPE; HIGH DENSITY LIPOPROTEIN DEFICIENCY, TYPE 1; Cholesterol thesaurismosis. Identifiers: Orphanet 31150, MedGen C0039292, MONDO:0008783, OMIM 205400.
Hypoalphalipoproteinemia, primary, 1. Identifiers: Orphanet 425, MedGen C5231558, MONDO:0011393, OMIM 604091.

Allele frequency attached by ClinVar (database versions not stated): TOPMed 0.00002; ExAC 0.00005; gnomAD exomes 0.00006.
gnomAD v4.1: 41 of 1,614,066 alleles (0.0025%); highest among the groups gnomAD compares: Middle Eastern, 0.016%; no homozygotes.

Submissions (3):

Women's Health and Genetics/Laboratory Corporation of America, LabCorp
Classification: Uncertain significance. Last evaluated: 2025-10-20. Review status: criteria provided, single submitter. Criteria: LabCorp Variant Classification Summary - May 2015. Collection method: clinical testing. Allele origin: germline.
Comment: Variant summary: ABCA1 c.1996C>T (p.Arg666Trp) results in a non-conservative amino acid change in the encoded protein sequence. Algorithms developed to predict the effect of missense changes on protein structure and function all suggest that this variant is likely to be disruptive. The variant allele was found at a frequency of 5.6e-05 in 251444 control chromosomes. This frequency is not significantly higher than estimated for disease-causing variants in ABCA1, allowing no conclusion about variant significance. To our knowledge, no occurrence of c.1996C>T in individuals affected with ABCA1-related conditions and no experimental evidence demonstrating its impact on protein function have been reported. ClinVar contains an entry for this variant (Variation ID: 364439). Based on the evidence outlined above, the variant was classified as uncertain significance.

Illumina Laboratory Services, Illumina
Classification: Benign for Hypoalphalipoproteinemia, primary, 1. Last evaluated: 2018-01-12. Review status: criteria provided, single submitter. Criteria: ICSL Variant Classification Criteria 13 December 2019. Collection method: clinical testing. Allele origin: germline.
Comment: This variant was observed in the ICSL laboratory as part of a predisposition screen in an ostensibly healthy population. It had not been previously curated by ICSL or reported in the Human Gene Mutation Database (HGMD: prior to June 1st, 2018), and was therefore a candidate for classification through an automated scoring system. Utilizing variant allele frequency, disease prevalence and penetrance estimates, and inheritance mode, an automated score was calculated to assess if this variant is too frequent to cause the disease. Based on the score and internal cut-off values, a variant classified as benign is not then subjected to further curation. The score for this variant resulted in a classification of benign for this disease.

Illumina Laboratory Services, Illumina
Classification: Uncertain significance for Tangier disease. Last evaluated: 2018-01-12. Review status: criteria provided, single submitter. Criteria: ICSL Variant Classification Criteria 13 December 2019. Collection method: clinical testing. Allele origin: germline.

NM_005502.4(ABCA1):c.1996C>T (p.Arg666Trp)

Gene: ABCA1 (ATP binding cassette subfamily A member 1; minus strand). Cytogenetic location: 9q31.1.
Variant type: single nucleotide variant.
Coding change: c.1996C>T on transcript NM_005502.4 (MANE Select); coding-DNA position 1996, C replaced by T.
Protein change: p.Arg666Trp; replaces arginine 666 with tryptophan.
Molecular consequence: missense variant.
Genome position (GRCh38, 1-based): chr9:104,829,035, G>A on the plus strand (C>T on the coding strand, the complement: ABCA1 is on the minus strand). VCF-style: chr9-104829035-G-A. GRCh37 (hg19) VCF-style: chr9-107591316-G-A.
Other names: short protein forms R666W.
Identifiers: ClinVar variation 364439 (VCV000364439.6), dbSNP rs201599169, ClinGen allele CA5168846.
Genomic context (GRCh38, chr9:104,829,035, plus strand): 5'-ACCAGCTAAACCAGAGGATGCTGTTGTCCAGGCCCATGATCCGCATGGTCTCTTTCAGCC[G>A]TGCCTCCTTCTCATACACGATGCCCTTGATGATCACAGCCACTGAGTAAATCCAGGCCAG-3'
Protein context (NP_005493.2, residues 656-676): IKGIVYEKEA[Arg666Trp]LKETMRIMGL